The following is an entry in ClinVar:

ClinVar aggregate classification (germline): Likely pathogenic (1 of 4 stars; one submission).

Submission:

CeGaT Center for Human Genetics Tuebingen
Classification: Likely pathogenic. Last evaluated: 2024-11-01. Review status: criteria provided, single submitter. Criteria: CeGaT Center For Human Genetics Tuebingen Variant Classification Criteria Version 2. Collection method: clinical testing. Allele origin: germline. Affected: yes. Observed: 1 variant allele.
Comment: TET2: PVS1:Strong, PM2

NM_001127208.3(TET2):c.3776_3777del (p.Thr1259fs)

Genes: TET2 (tet methylcytosine dioxygenase 2; plus strand), TET2-AS1 (TET2 antisense RNA 1; minus strand). Cytogenetic location: 4q24.
Variant type: Deletion.
Coding change: c.3776_3777del on transcript NM_001127208.3 (MANE Select); coding-DNA positions 3776 to 3777, 2 bases deleted (CC; older notation c.3776_3777delCC).
Protein change: p.Thr1259fs; shifts the reading frame from threonine 1259.
Molecular consequence: frameshift variant.
Genome position (GRCh38, 1-based): chr4:105,243,751-105,243,752, CC deleted. VCF-style (leftmost placement, unchanged base first): chr4-105243750-ACC-A. GRCh37 (hg19) VCF-style: chr4-106164907-ACC-A.
Other names: short protein forms T1259fs.
Identifiers: ClinVar variation 3390078 (VCV003390078.14).